The following is an entry in ClinVar:

ClinVar aggregate classification (germline): Uncertain significance. Review status: criteria provided, multiple submitters, no conflicts (2 of 4 stars). 2 submissions from 2 submitters: Uncertain significance (2). Last evaluated 2024-02-21.

Conditions:
Kabuki syndrome 1 (KABUK1). Also called: KMT2D-Related Kabuki Syndrome. Identifiers: Orphanet 2322, MedGen CN030661, MONDO:0007843, OMIM 147920.
Choanal atresia-athelia-hypothyroidism-delayed puberty-short stature syndrome (BCAHH). Also called: BRANCHIAL ARCH ABNORMALITIES, CHOANAL ATRESIA, ATHELIA, HEARING LOSS, AND HYPOTHYROIDISM SYNDROME. Identifiers: Orphanet 589856, MedGen C5680310, MONDO:0035651, OMIM 620186.

Submissions (2):

Fulgent Genetics
Classification: Uncertain significance for Kabuki syndrome 1; Choanal atresia-athelia-hypothyroidism-delayed puberty-short stature syndrome. Last evaluated: 2024-02-21. Review status: criteria provided, single submitter. Criteria: ACMG Guidelines, 2015. Collection method: clinical testing. Allele origin: germline.

Neuberg Centre For Genomic Medicine, NCGM
Classification: Uncertain significance for Kabuki syndrome 1. Review status: criteria provided, single submitter. Criteria: ACMG Guidelines, 2015. Collection method: clinical testing. Allele origin: germline. Inheritance: Autosomal dominant inheritance. Affected: yes.
Comment: The observed missense c.1940C>T(p.Pro647Leu) variant in KMT2D gene has not been reported previously as a pathogenic variant nor as a benign variant, to our knowledge. This variant is absent in gnomAD Exomes. The amino acid Pro at position 647 is changed to a Leu changing protein sequence and it might alter its composition and physico-chemical properties. The amino acid change p.Pro647Leu in KMT2D is predicted as conserved by GERP++ and PhyloP across 100 vertebrates. The variant is predicted as damaging by SIFT. For these reasons, this variant has been classified as Uncertain Significance.

NM_003482.4(KMT2D):c.1940C>T (p.Pro647Leu)

Gene: KMT2D (lysine methyltransferase 2D; minus strand). Cytogenetic location: 12q13.12.
Variant type: single nucleotide variant.
Coding change: c.1940C>T on transcript NM_003482.4 (MANE Select); coding-DNA position 1940, C replaced by T.
Protein change: p.Pro647Leu; replaces proline 647 with leucine.
Molecular consequence: missense variant.
Genome position (GRCh38, 1-based): chr12:49,051,743, G>A on the plus strand (C>T on the coding strand, the complement: KMT2D is on the minus strand). VCF-style: chr12-49051743-G-A. GRCh37 (hg19) VCF-style: chr12-49445526-G-A.
Other names: short protein forms P647L.
Identifiers: ClinVar variation 3241992 (VCV003241992.2), dbSNP rs200088180.